The following is an entry in ClinVar:

ClinVar aggregate classification (germline): Uncertain significance (1 of 4 stars; one submission).

Conditions:
Ehlers-Danlos syndrome, classic type, 1 (EDSCL1). Also called: EHLERS-DANLOS SYNDROME, GRAVIS TYPE; EHLERS-DANLOS SYNDROME, SEVERE CLASSIC TYPE; Ehlers-Danlos syndrome, type 1; EDS I; Ehlers-Danlos Syndrome, Classic Type, COL5A1-Related. Identifiers: MedGen C0268335, MONDO:0019567, OMIM 130000.

Allele frequency attached by ClinVar (database versions not stated): gnomAD exomes below 0.00001.

Submission:

Labcorp Genetics (formerly Invitae), Labcorp
Classification: Uncertain significance for Ehlers-Danlos syndrome, classic type, 1. Last evaluated: 2022-02-03. Review status: criteria provided, single submitter. Criteria: Invitae Variant Classification Sherloc (09022015). Collection method: clinical testing. Allele origin: germline.
Comment: Advanced modeling of protein sequence and biophysical properties (such as structural, functional, and spatial information, amino acid conservation, physicochemical variation, residue mobility, and thermodynamic stability) performed at Invitae indicates that this missense variant is not expected to disrupt COL5A2 protein function. This variant has not been reported in the literature in individuals affected with COL5A2-related conditions. This variant is not present in population databases (gnomAD no frequency). This sequence change replaces proline, which is neutral and non-polar, with threonine, which is neutral and polar, at codon 601 of the COL5A2 protein (p.Pro601Thr). In summary, the available evidence is currently insufficient to determine the role of this variant in disease. Therefore, it has been classified as a Variant of Uncertain Significance.

NM_000393.5(COL5A2):c.1801C>A (p.Pro601Thr)

Gene: COL5A2 (collagen type V alpha 2 chain; minus strand). Cytogenetic location: 2q32.2.
Variant type: single nucleotide variant.
Coding change: c.1801C>A on transcript NM_000393.5 (MANE Select); coding-DNA position 1801, C replaced by A.
Protein change: p.Pro601Thr; replaces proline 601 with threonine.
Molecular consequence: missense variant.
Genome position (GRCh38, 1-based): chr2:189,063,240, G>T on the plus strand (C>A on the coding strand, the complement: COL5A2 is on the minus strand). VCF-style: chr2-189063240-G-T. GRCh37 (hg19) VCF-style: chr2-189927966-G-T.
Other names: short protein forms P601T.
Identifiers: ClinVar variation 2092240 (VCV002092240.4), dbSNP rs2469296166, ClinGen allele CA349880077.